The following is an entry in ClinVar:

ClinVar aggregate classification (germline): Uncertain significance (1 of 4 stars; one submission).

Conditions:
Nemaline myopathy 6 (NEM6). Also called: Nemaline myopathy 6, autosomal dominant. Identifiers: Orphanet 171439, MedGen C1836472, MONDO:0012237, OMIM 609273.

Submission:

Labcorp Genetics (formerly Invitae), Labcorp
Classification: Uncertain significance for Nemaline myopathy 6. Last evaluated: 2025-05-08. Review status: criteria provided, single submitter. Criteria: Invitae Variant Classification Sherloc (09022015). Collection method: clinical testing. Allele origin: germline.
Comment: This sequence change affects codon 3 of the KBTBD13 mRNA. It is a 'silent' change, meaning that it does not change the encoded amino acid sequence of the KBTBD13 protein. The frequency data for this variant in the population databases is considered unreliable, as metrics indicate poor data quality at this position in the gnomAD database. This variant has not been reported in the literature in individuals affected with KBTBD13-related conditions. In summary, the available evidence is currently insufficient to determine the role of this variant in disease. Therefore, it has been classified as a Variant of Uncertain Significance.

NM_001101362.3(KBTBD13):c.9G>A (p.Arg3=)

Gene: KBTBD13 (kelch repeat and BTB domain containing 13; plus strand). Cytogenetic location: 15q22.31.
Variant type: single nucleotide variant.
Coding change: c.9G>A on transcript NM_001101362.3 (MANE Select); coding-DNA position 9, G replaced by A.
Protein change: p.Arg3=; no amino-acid change (arginine 3 retained).
Molecular consequence: synonymous variant.
Genome position (GRCh38, 1-based): chr15:65,076,824, G>A. VCF-style: chr15-65076824-G-A. GRCh37 (hg19) VCF-style: chr15-65369162-G-A.
Identifiers: ClinVar variation 4803943 (VCV004803943.1).